The following is an entry in ClinVar:

ClinVar aggregate classification (germline): Pathogenic. Review status: criteria provided, multiple submitters, no conflicts (2 of 4 stars). 2 submissions from 2 submitters: Pathogenic (2). Last evaluated 2022-04-12.

Conditions:
Inborn genetic diseases. Identifiers: MedGen C0950123, MeSH D030342.
Charcot-Marie-Tooth disease type 4. Also called: Charcot-Marie-Tooth, Type 4; Charcot-Marie-Tooth disease, type IV. Identifiers: Orphanet 64749, MedGen C4082197, MONDO:0018995.

Allele frequency attached by ClinVar (database versions not stated): gnomAD exomes below 0.00001.

Submissions (2):

Ambry Genetics
Classification: Pathogenic for Inborn genetic diseases. Last evaluated: 2022-04-12. Review status: criteria provided, single submitter. Criteria: Ambry Variant Classification Scheme 2023. Collection method: clinical testing. Allele origin: germline.
Comment: The p.L643* pathogenic mutation (also known as c.1928T>A), located in coding exon 17 of the FIG4 gene, results from a T to A substitution at nucleotide position 1928. This changes the amino acid from a leucine to a stop codon within coding exon 17. This variant is considered to be rare based on population cohorts in the Genome Aggregation Database (gnomAD). This alteration is expected to result in loss of function by premature protein truncation or nonsense-mediated mRNA decay. As such, this alteration is interpreted as a disease-causing mutation.

Labcorp Genetics (formerly Invitae), Labcorp
Classification: Pathogenic for Charcot-Marie-Tooth disease type 4. Last evaluated: 2018-10-31. Review status: criteria provided, single submitter. Criteria: Invitae Variant Classification Sherloc (09022015). Collection method: clinical testing. Allele origin: germline.
Comment: For these reasons, this variant has been classified as Pathogenic. Loss-of-function variants in FIG4 are known to be pathogenic (PMID: 23623387). This variant has not been reported in the literature in individuals with FIG4-related disease. This variant is not present in population databases (ExAC no frequency). This sequence change creates a premature translational stop signal (p.Leu643*) in the FIG4 gene. It is expected to result in an absent or disrupted protein product.

Literature cited by the submitters: PubMed 23623387 (cited by Labcorp Genetics (formerly Invitae), Labcorp).

NM_014845.6(FIG4):c.1928T>A (p.Leu643Ter)

Gene: FIG4 (FIG4 phosphoinositide 5-phosphatase; plus strand). Cytogenetic location: 6q21.
Variant type: single nucleotide variant.
Coding change: c.1928T>A on transcript NM_014845.6 (MANE Select); coding-DNA position 1928, T replaced by A.
Protein change: p.Leu643Ter; replaces leucine 643 with a stop codon.
Molecular consequence: nonsense.
Genome position (GRCh38, 1-based): chr6:109,785,008, T>A. VCF-style: chr6-109785008-T-A. GRCh37 (hg19) VCF-style: chr6-110106211-T-A.
Other names: short protein forms L643*.
Identifiers: ClinVar variation 666083 (VCV000666083.8), dbSNP rs1488999396, ClinGen allele CA365231624.